The following is an entry in ClinVar:

ClinVar aggregate classification (germline): Uncertain significance (1 of 4 stars; one submission).

Submission:

Ambry Genetics
Classification: Uncertain significance. Last evaluated: 2024-12-21. Review status: criteria provided, single submitter. Criteria: Ambry Variant Classification Scheme 2023. Collection method: clinical testing. Allele origin: germline.
Comment: The p.V1392I variant (also known as c.4174G>A), located in coding exon 38 of the KIF1B gene, results from a G to A substitution at nucleotide position 4174. The valine at codon 1392 is replaced by isoleucine, an amino acid with highly similar properties. This amino acid position is conserved. In addition, this alteration is predicted to be tolerated by in silico analysis. Based on the available evidence, the clinical significance of this variant remains unclear.

NM_001365951.3(KIF1B):c.4312G>A (p.Val1438Ile)

Gene: KIF1B (kinesin family member 1B; plus strand). Cytogenetic location: 1p36.22.
Variant type: single nucleotide variant.
Coding change: c.4312G>A on transcript NM_001365951.3 (MANE Select); coding-DNA position 4312, G replaced by A.
Protein change: p.Val1438Ile; replaces valine 1438 with isoleucine.
Molecular consequence: missense variant.
Genome position (GRCh38, 1-based): chr1:10,363,290, G>A. VCF-style: chr1-10363290-G-A. GRCh37 (hg19) VCF-style: chr1-10423348-G-A.
Other names: c.4312G>A, p.Val1438Ile (NM_001365952.1); c.4174G>A, p.Val1392Ile (NM_015074.3); short protein forms V1392I, V1438I.
Identifiers: ClinVar variation 3864045 (VCV003864045.1).
Genomic context (GRCh38, chr1:10,363,290, plus strand): 5'-TCCTGTTTTTGTGCTTTAAGAGATTAAACAATTGTTTTATTTTCTTCAAATAGGAATCGA[G>A]TCACTGGCATTTACGAACTCAGCTTATGCAAAATGTCAGACACAGGTAGTCCAGGTAAGC-3'
Protein context (NP_001352880.1, residues 1428-1448): GYSKSPDSNR[Val1438Ile]TGIYELSLCK